The following is an entry in ClinVar:

ClinVar aggregate classification (germline): Uncertain significance (1 of 4 stars; one submission).

Conditions:
Hypertrophic cardiomyopathy. Also called: HYPERTROPHIC MYOCARDIOPATHY. Identifiers: Orphanet 217569, MedGen C0007194, MeSH D002312, MONDO:0005045, HP:0001639.

Submission:

Labcorp Genetics (formerly Invitae), Labcorp
Classification: Uncertain significance for Hypertrophic cardiomyopathy. Last evaluated: 2021-01-13. Review status: criteria provided, single submitter. Criteria: Invitae Variant Classification Sherloc (09022015). Collection method: clinical testing. Allele origin: germline.
Comment: This sequence change replaces isoleucine with valine at codon 405 of the MYOM1 protein (p.Ile405Val). The isoleucine residue is moderately conserved and there is a small physicochemical difference between isoleucine and valine. This variant is not present in population databases (ExAC no frequency). In summary, the available evidence is currently insufficient to determine the role of this variant in disease. Therefore, it has been classified as a Variant of Uncertain Significance. Algorithms developed to predict the effect of missense changes on protein structure and function are either unavailable or do not agree on the potential impact of this missense change (SIFT: "Tolerated"; PolyPhen-2: "Possibly Damaging"; Align-GVGD: "Class C0"). This variant has not been reported in the literature in individuals with MYOM1-related conditions.

NM_003803.4(MYOM1):c.1213A>G (p.Ile405Val)

Gene: MYOM1 (myomesin 1; minus strand). Cytogenetic location: 18p11.31.
Variant type: single nucleotide variant.
Coding change: c.1213A>G on transcript NM_003803.4 (MANE Select); coding-DNA position 1213, A replaced by G.
Protein change: p.Ile405Val; replaces isoleucine 405 with valine.
Molecular consequence: missense variant.
Genome position (GRCh38, 1-based): chr18:3,168,943, T>C on the plus strand (A>G on the coding strand, the complement: MYOM1 is on the minus strand). VCF-style: chr18-3168943-T-C. GRCh37 (hg19) VCF-style: chr18-3168941-T-C.
Other names: c.1213A>G, p.Ile405Val (NM_019856.2); short protein forms I405V.
Identifiers: ClinVar variation 1502230 (VCV001502230.8), dbSNP rs2144068407, ClinGen allele CA401715383.
Genomic context (GRCh38, chr18:3,168,943, plus strand): 5'-CTAGACTCATTGTCTCTCCCTCTCTCCCAAAAGACACATCAAATTTGTCATCAAAGTGGA[T>C]CTCAAACCGGGATGCATAACCATATGGGGTCACACCAACTGGGTACAAAAATAACAAATA-3'
Protein context (NP_003794.3, residues 395-415): TPYGYASRFE[Ile405Val]HFDDKFDVSF